The following is an entry in ClinVar:

NM_182914.3(SYNE2):c.19141C>T (p.Arg6381Trp)

Gene: SYNE2 (spectrin repeat containing nuclear envelope protein 2; plus strand). Cytogenetic location: 14q23.2.
Variant type: single nucleotide variant.
Coding change: c.19141C>T on transcript NM_182914.3 (MANE Select); coding-DNA position 19141, C replaced by T.
Protein change: p.Arg6381Trp; replaces arginine 6381 with tryptophan.
Molecular consequence: missense variant.
Genome position (GRCh38, 1-based): chr14:64,214,278, C>T. VCF-style: chr14-64214278-C-T. GRCh37 (hg19) VCF-style: chr14-64680996-C-T.
Other names: c.19141C>T, p.Arg6381Trp (NM_015180.6); c.43C>T, p.Arg15Trp (NM_182913.4); short protein forms R15W, R6381W.
Identifiers: ClinVar variation 950693 (VCV000950693.9), dbSNP rs372959292, ClinGen allele CA261826021.

ClinVar aggregate classification (germline): Uncertain significance (1 of 4 stars; one submission).

Conditions:
Emery-Dreifuss muscular dystrophy 5, autosomal dominant (EDMD5). Also called: EMERY-DREIFUSS MUSCULAR DYSTROPHY 5. Identifiers: Orphanet 261, MedGen C2751805, MONDO:0013072, OMIM 612999.

Allele frequency attached by ClinVar (database versions not stated): gnomAD exomes below 0.00001; gnomAD 0.00002 and 0.00003; TOPMed 0.00002; ESP Exome Variant Server 0.00008.
gnomAD v4.1: 14 of 1,613,750 alleles (0.00087%); highest among the groups gnomAD compares: African/African-American, 0.0013%; no homozygotes.

Submission:

Labcorp Genetics (formerly Invitae), Labcorp
Classification: Uncertain significance for Emery-Dreifuss muscular dystrophy 5, autosomal dominant. Last evaluated: 2022-02-03. Review status: criteria provided, single submitter. Criteria: Invitae Variant Classification Sherloc (09022015). Collection method: clinical testing. Allele origin: germline.
Comment: In summary, the available evidence is currently insufficient to determine the role of this variant in disease. Therefore, it has been classified as a Variant of Uncertain Significance. Algorithms developed to predict the effect of missense changes on protein structure and function are either unavailable or do not agree on the potential impact of this missense change (SIFT: "Deleterious"; PolyPhen-2: "Probably Damaging"; Align-GVGD: "Class C0"). ClinVar contains an entry for this variant (Variation ID: 950693). This variant has not been reported in the literature in individuals affected with SYNE2-related conditions. This variant is present in population databases (rs372959292, gnomAD 0.004%). This sequence change replaces arginine, which is basic and polar, with tryptophan, which is neutral and slightly polar, at codon 6381 of the SYNE2 protein (p.Arg6381Trp).